The following is an entry in ClinVar:

NM_201384.3(PLEC):c.6880C>T (p.Arg2294Trp)

Gene: PLEC (plectin; minus strand). Cytogenetic location: 8q24.3.
Variant type: single nucleotide variant.
Coding change: c.6880C>T on transcript NM_201384.3 (MANE Select); coding-DNA position 6880, C replaced by T.
Protein change: p.Arg2294Trp; replaces arginine 2294 with tryptophan.
Molecular consequence: missense variant.
Genome position (GRCh38, 1-based): chr8:143,923,049, G>A on the plus strand (C>T on the coding strand, the complement: PLEC is on the minus strand). VCF-style: chr8-143923049-G-A. GRCh37 (hg19) VCF-style: chr8-144997217-G-A.
Other names: c.6961C>T, p.Arg2321Trp (NM_000445.5); c.6838C>T, p.Arg2280Trp (NM_201378.4); c.6814C>T, p.Arg2272Trp (NM_201379.3); c.7291C>T, p.Arg2431Trp (NM_201380.4); c.6784C>T, p.Arg2262Trp (NM_201381.3); c.6880C>T, p.Arg2294Trp (NM_201382.4); c.6892C>T, p.Arg2298Trp (NM_201383.3); short protein forms R2321W, R2294W, R2272W, R2298W, R2262W, R2280W, R2431W.
Identifiers: ClinVar variation 578477 (VCV000578477.7), dbSNP rs1367010956, ClinGen allele CA372531875.

ClinVar aggregate classification (germline): Uncertain significance (1 of 4 stars; one submission).

Conditions:
Epidermolysis bullosa simplex 5C, with pyloric atresia (EBS5C). Also called: PLEC1-Related Epidermolysis Bullosa with Pyloric Atresia; PLEC-Related Epidermolysis Bullosa with Pyloric Atresia; Epidermolysis bullosa simplex with pyloric atresia. Identifiers: Orphanet 158684, MedGen C2677349, MONDO:0012807, OMIM 612138.
Epidermolysis bullosa simplex with nail dystrophy (EBS5D). Identifiers: MedGen C4225309, MONDO:0014661, OMIM 616487.
Autosomal recessive limb-girdle muscular dystrophy type 2Q (LGMDR17). Also called: MUSCULAR DYSTROPHY, LIMB-GIRDLE, AUTOSOMAL RECESSIVE 17. Identifiers: Orphanet 254361, MedGen C3150989, MONDO:0013390, OMIM 613723.
Epidermolysis bullosa simplex 5B, with muscular dystrophy (EBS5B). Also called: Epidermolysis bullosa simplex with muscular dystrophy; EPIDERMOLYSIS BULLOSA SIMPLEX AND LIMB-GIRDLE MUSCULAR DYSTROPHY. Identifiers: Orphanet 257, MedGen C2931072, MONDO:0009181, OMIM 226670.
Epidermolysis bullosa simplex, Ogna type (EBS5A). Also called: Pidermolysis bullosa simplex 5A, Ogna type; EPIDERMOLYSIS BULLOSA SIMPLEX 5A, OGNA TYPE. Identifiers: Orphanet 79401, MedGen C0432317, MONDO:0007555, OMIM 131950.

Allele frequency attached by ClinVar (database versions not stated): gnomAD exomes 0.00001 and 0.00002; gnomAD 0.00002; TOPMed 0.00004.

Submission:

Labcorp Genetics (formerly Invitae), Labcorp
Classification: Uncertain significance for Autosomal recessive limb-girdle muscular dystrophy type 2Q; Epidermolysis bullosa simplex, Ogna type; Epidermolysis bullosa simplex with nail dystrophy; Epidermolysis bullosa simplex 5C, with pyloric atresia; Epidermolysis bullosa simplex 5B, with muscular dystrophy. Last evaluated: 2024-02-18. Review status: criteria provided, single submitter. Criteria: Invitae Variant Classification Sherloc (09022015). Collection method: clinical testing. Allele origin: germline.
Comment: This sequence change replaces arginine, which is basic and polar, with tryptophan, which is neutral and slightly polar, at codon 2321 of the PLEC protein (p.Arg2321Trp). This variant is present in population databases (no rsID available, gnomAD 0.01%), including at least one homozygous and/or hemizygous individual. This variant has not been reported in the literature in individuals affected with PLEC-related conditions. ClinVar contains an entry for this variant (Variation ID: 578477). Advanced modeling of protein sequence and biophysical properties (such as structural, functional, and spatial information, amino acid conservation, physicochemical variation, residue mobility, and thermodynamic stability) performed at Invitae indicates that this missense variant is expected to disrupt PLEC protein function with a positive predictive value of 80%. In summary, the available evidence is currently insufficient to determine the role of this variant in disease. Therefore, it has been classified as a Variant of Uncertain Significance.